The following is an entry in ClinVar:

ClinVar aggregate classification (germline): Uncertain significance (1 of 4 stars; one submission).

Conditions:
Vissers-Bodmer syndrome. Identifiers: MedGen C5436647, MONDO:0033618, OMIM 619033.

Submission:

Neuberg Centre For Genomic Medicine, NCGM
Classification: Uncertain significance for Vissers-Bodmer syndrome. Last evaluated: 2023-06-22. Review status: criteria provided, single submitter. Criteria: ACMG Guidelines, 2015. Collection method: clinical testing. Allele origin: germline. Inheritance: Autosomal dominant inheritance. Affected: yes.
Comment: The observed missense c.2455T>C(p.Phe819Leu) variant in CNOT1 gene has not been reported previously as a pathogenic variant nor as a benign variant, to our knowledge. This variant is absent in gnomAD Exomes. The amino acid Phe at position 819 is changed to a Leu changing protein sequence and it might alter its composition and physico-chemical properties. The amino acid change p.Phe819Leu in CNOT1 is predicted as conserved by GERP++ and PhyloP across 100 vertebrates. Computational evidence (Polyphen - Benign / Possibly Damaging, SIFT - Tolerated, and MutationTaster - Disease causing) predicts conflicting evidence on protein structure and function for this variant. For these reasons, this variant has been classified as Uncertain Significance.

NM_016284.5(CNOT1):c.2455T>C (p.Phe819Leu)

Gene: CNOT1 (CCR4-NOT transcription complex subunit 1; minus strand). Cytogenetic location: 16q21.
Variant type: single nucleotide variant.
Coding change: c.2455T>C on transcript NM_016284.5 (MANE Select); coding-DNA position 2455, T replaced by C.
Protein change: p.Phe819Leu; replaces phenylalanine 819 with leucine.
Molecular consequence: missense variant. On other transcripts: non-coding transcript variant (1).
Genome position (GRCh38, 1-based): chr16:58,556,871, A>G on the plus strand (T>C on the coding strand, the complement: CNOT1 is on the minus strand). VCF-style: chr16-58556871-A-G. GRCh37 (hg19) VCF-style: chr16-58590775-A-G.
Other names: c.2455T>C, p.Phe819Leu (NM_001265612.2, NM_206999.3); short protein forms F819L.
Identifiers: ClinVar variation 3377758 (VCV003377758.1).